The following is an entry in ClinVar:

ClinVar aggregate classification (germline): Likely benign. Review status: criteria provided, multiple submitters, no conflicts (2 of 4 stars). 2 submissions from 2 submitters: Likely benign (2). Last evaluated 2025-11-04.

Allele frequency attached by ClinVar (database versions not stated): gnomAD exomes 0.00003 and 0.00007; gnomAD 0.00005; TOPMed 0.00007; ExAC 0.00012.
gnomAD v4.1: 52 of 1,613,034 alleles (0.0032%); highest among the groups gnomAD compares: Admixed American, 0.022%; no homozygotes.

Submissions (2):

Labcorp Genetics (formerly Invitae), Labcorp
Classification: Likely benign. Last evaluated: 2025-11-04. Review status: criteria provided, single submitter. Criteria: Invitae Variant Classification Sherloc (09022015). Collection method: clinical testing. Allele origin: germline.

CeGaT Center for Human Genetics Tuebingen
Classification: Likely benign. Last evaluated: 2024-09-01. Review status: criteria provided, single submitter. Criteria: CeGaT Center For Human Genetics Tuebingen Variant Classification Criteria Version 2. Collection method: clinical testing. Allele origin: germline. Affected: yes. Observed: 2 variant alleles.
Comment: PRKN: BP4, BP7

NM_004562.3(PRKN):c.270C>T (p.Asn90=)

Gene: PRKN (parkin RBR E3 ubiquitin protein ligase; minus strand). Cytogenetic location: 6q26.
Variant type: single nucleotide variant.
Coding change: c.270C>T on transcript NM_004562.3 (MANE Select); coding-DNA position 270, C replaced by T.
Protein change: p.Asn90=; no amino-acid change (asparagine 90 retained).
Molecular consequence: synonymous variant. On other transcripts: intron variant (1).
Genome position (GRCh38, 1-based): chr6:162,262,667, G>A on the plus strand (C>T on the coding strand, the complement: PRKN is on the minus strand). VCF-style: chr6-162262667-G-A. GRCh37 (hg19) VCF-style: chr6-162683699-G-A.
Other names: c.270C>T, p.Asn90= (NM_013987.3); c.171+180643C>T (NM_013988.3).
Identifiers: ClinVar variation 1299058 (VCV001299058.39), dbSNP rs767425151, ClinGen allele CA4090432.